The following is an entry in ClinVar:

ClinVar aggregate classification (germline): Uncertain significance. Review status: criteria provided, multiple submitters, no conflicts (2 of 4 stars). 4 submissions from 4 submitters: Uncertain significance (4). Last evaluated 2026-09-17.

Conditions:
Usher syndrome type 1G. Also called: USHER SYNDROME, TYPE IG, MILD. Identifiers: Orphanet 231169, Orphanet 886, MedGen C1847089, MONDO:0011748, OMIM 606943.

Allele frequency attached by ClinVar (database versions not stated): TOPMed 0.00006; ExAC 0.00014; gnomAD exomes 0.00014.
gnomAD v4.1: 137 of 1,580,474 alleles (0.0087%); highest among the groups gnomAD compares: Middle Eastern, 0.021%; 1 homozygote.

Submissions (4):

GeneDx
Classification: Uncertain significance. Last evaluated: 2026-09-17. Review status: criteria provided, single submitter. Criteria: GeneDx Variant Classification Process June 2021. Collection method: clinical testing. Allele origin: germline.
Comment: Nucleotide is not conserved across species and the substitution has no predicted effect on splicing; Alters the Kozak sequence, which plays a major role in the initiation of translation; Has not been previously published as pathogenic or benign to our knowledge

Fulgent Genetics
Classification: Uncertain significance for Usher syndrome type 1G. Last evaluated: 2022-01-05. Review status: criteria provided, single submitter. Criteria: ACMG Guidelines, 2015. Collection method: clinical testing. Allele origin: unknown.

Illumina Laboratory Services, Illumina
Classification: Uncertain significance for Usher syndrome type 1G. Last evaluated: 2017-04-27. Review status: criteria provided, single submitter. Criteria: ICSL Variant Classification Criteria 13 December 2019. Collection method: clinical testing. Allele origin: germline.

Eurofins Ntd Llc (ga)
Classification: Uncertain significance. Last evaluated: 2015-09-11. Review status: criteria provided, single submitter. Criteria: EGL Classification Definitions 2015. Collection method: clinical testing. Allele origin: germline. Observed: 1 variant allele, 1 heterozygote.

NM_173477.5(USH1G):c.-2C>T

Gene: USH1G (USH1 protein network component sans; minus strand). Cytogenetic location: 17q25.1.
Variant type: single nucleotide variant.
Coding change: c.-2C>T on transcript NM_173477.5 (MANE Select); 2 bases upstream of the start codon, C replaced by T.
Molecular consequence: 5 prime UTR variant.
Genome position (GRCh38, 1-based): chr17:74,923,075, G>A on the plus strand (C>T on the coding strand, the complement: USH1G is on the minus strand). VCF-style: chr17-74923075-G-A. GRCh37 (hg19) VCF-style: chr17-72919170-G-A.
Other names: c.-258C>T (NM_001282489.3).
Identifiers: ClinVar variation 283166 (VCV000283166.13), dbSNP rs758940726, ClinGen allele CA8754141.